The following is an entry in ClinVar:

NM_000368.5(TSC1):c.3053C>G (p.Thr1018Ser)

Gene: TSC1 (TSC complex subunit 1; minus strand). Cytogenetic location: 9q34.13.
Variant type: single nucleotide variant.
Coding change: c.3053C>G on transcript NM_000368.5 (MANE Select); coding-DNA position 3053, C replaced by G.
Protein change: p.Thr1018Ser; replaces threonine 1018 with serine.
Molecular consequence: missense variant. On other transcripts: non-coding transcript variant (5).
Genome position (GRCh38, 1-based): chr9:132,896,677, G>C on the plus strand (C>G on the coding strand, the complement: TSC1 is on the minus strand). VCF-style: chr9-132896677-G-C. GRCh37 (hg19) VCF-style: chr9-135772064-G-C.
Other names: c.3050C>G, p.Thr1017Ser (NM_001162426.2, NM_001406597.1, NM_001406598.1 and 2 more transcripts); c.2900C>G, p.Thr967Ser (NM_001162427.2, NM_001406610.1); c.2690C>G, p.Thr897Ser (NM_001362177.2, NM_001406614.1, NM_001406615.1 and 4 more transcripts); c.3053C>G, p.Thr1018Ser (NM_001406592.1, NM_001406593.1, NM_001406594.1 and 2 more transcripts); c.3011C>G, p.Thr1004Ser (NM_001406606.1, NM_001406607.1, NM_001406605.1); c.3008C>G, p.Thr1003Ser (NM_001406608.1, NM_001406609.1); c.2897C>G, p.Thr966Ser (NM_001406611.1, NM_001406612.1); c.2855C>G, p.Thr952Ser (NM_001406613.1); and 8 more; short protein forms T1004S, T700S, T966S, T1003S, T667S, T882S, T883S, T1012S.
Identifiers: ClinVar variation 4773152 (VCV004773152.1).

ClinVar aggregate classification (germline): Uncertain significance (1 of 4 stars; one submission).

Conditions:
Tuberous sclerosis 1 (TSC1). Identifiers: Orphanet 805, MedGen C1854465, MONDO:0008612, OMIM 191100.

Submission:

Labcorp Genetics (formerly Invitae), Labcorp
Classification: Uncertain significance for Tuberous sclerosis 1. Last evaluated: 2025-08-11. Review status: criteria provided, single submitter. Criteria: Invitae Variant Classification Sherloc (09022015). Collection method: clinical testing. Allele origin: germline.
Comment: This sequence change replaces threonine, which is neutral and polar, with serine, which is neutral and polar, at codon 1018 of the TSC1 protein (p.Thr1018Ser). This variant is not present in population databases (gnomAD no frequency). This variant has not been reported in the literature in individuals affected with TSC1-related conditions. Invitae Evidence Modeling of protein sequence and biophysical properties (such as structural, functional, and spatial information, amino acid conservation, physicochemical variation, residue mobility, and thermodynamic stability) indicates that this missense variant is not expected to disrupt TSC1 protein function with a negative predictive value of 95%. In summary, the available evidence is currently insufficient to determine the role of this variant in disease. Therefore, it has been classified as a Variant of Uncertain Significance.